The following is an entry in ClinVar:

ClinVar aggregate classification (germline): Uncertain significance (1 of 4 stars; one submission).

Conditions:
Immunodeficiency-centromeric instability-facial anomalies syndrome 2 (ICF2). Identifiers: Orphanet 2268, MedGen C3279748, MONDO:0013553, OMIM 614069.

Allele frequency attached by ClinVar (database versions not stated): gnomAD 0.00001; gnomAD exomes below 0.00001; TOPMed below 0.00001.
gnomAD v4.1: 2 of 1,614,040 alleles (0.00012%); highest among the groups gnomAD compares: Middle Eastern, 0.016%; no homozygotes.

Submission:

Labcorp Genetics (formerly Invitae), Labcorp
Classification: Uncertain significance for Immunodeficiency-centromeric instability-facial anomalies syndrome 2. Last evaluated: 2022-08-09. Review status: criteria provided, single submitter. Criteria: Invitae Variant Classification Sherloc (09022015). Collection method: clinical testing. Allele origin: germline.
Comment: This sequence change replaces glutamine, which is neutral and polar, with arginine, which is basic and polar, at codon 382 of the ZBTB24 protein (p.Gln382Arg). This variant is present in population databases (no rsID available, gnomAD 0.006%). This variant has not been reported in the literature in individuals affected with ZBTB24-related conditions. ClinVar contains an entry for this variant (Variation ID: 1510754). Algorithms developed to predict the effect of missense changes on protein structure and function are either unavailable or do not agree on the potential impact of this missense change (SIFT: "Not Available"; PolyPhen-2: "Possibly Damaging"; Align-GVGD: "Not Available"). In summary, the available evidence is currently insufficient to determine the role of this variant in disease. Therefore, it has been classified as a Variant of Uncertain Significance.

NM_014797.3(ZBTB24):c.1145A>G (p.Gln382Arg)

Gene: ZBTB24 (zinc finger and BTB domain containing 24; minus strand). Cytogenetic location: 6q21.
Variant type: single nucleotide variant.
Coding change: c.1145A>G on transcript NM_014797.3 (MANE Select); coding-DNA position 1145, A replaced by G.
Protein change: p.Gln382Arg; replaces glutamine 382 with arginine.
Molecular consequence: missense variant.
Genome position (GRCh38, 1-based): chr6:109,476,234, T>C on the plus strand (A>G on the coding strand, the complement: ZBTB24 is on the minus strand). VCF-style: chr6-109476234-T-C. GRCh37 (hg19) VCF-style: chr6-109797437-T-C.
Other names: short protein forms Q382R.
Identifiers: ClinVar variation 1510754 (VCV001510754.5), dbSNP rs1232884369, ClinGen allele CA365203306.